The following is an entry in ClinVar:

ClinVar aggregate classification (germline): Conflicting classifications of pathogenicity. Review status: criteria provided, conflicting classifications (1 of 4 stars). 3 submissions from 3 submitters: Likely pathogenic (2); Uncertain significance (1). Last evaluated 2026-07-16.

Conditions:
Rare anaemia.

Allele frequency attached by ClinVar (database versions not stated): gnomAD 0.00001.

Submissions (3):

North West Genomic Laboratory Hub, Manchester University NHS Foundation Trust
Classification: Likely pathogenic for Rare anaemia. Last evaluated: 2026-07-16. Review status: criteria provided, single submitter. Criteria: ACGS Best Practice Guidelines for Variant Classification in Rare Disease 2024. Collection method: clinical testing. Allele origin: germline. Affected: yes.
Comment: PM5_Mod PP3_Supp PM2_Mod PS4_Supp

Labcorp Genetics (formerly Invitae), Labcorp
Classification: Uncertain significance. Last evaluated: 2023-11-11. Review status: criteria provided, single submitter. Criteria: Invitae Variant Classification Sherloc (09022015). Collection method: clinical testing. Allele origin: germline.
Comment: This sequence change replaces arginine, which is basic and polar, with leucine, which is neutral and non-polar, at codon 452 of the ALAS2 protein (p.Arg452Leu). This variant is not present in population databases (gnomAD no frequency). This missense change has been observed in individual(s) with congenital sideroblastic anemia (PMID: 31338833). Advanced modeling of protein sequence and biophysical properties (such as structural, functional, and spatial information, amino acid conservation, physicochemical variation, residue mobility, and thermodynamic stability) has been performed at Invitae for this missense variant, however the output from this modeling did not meet the statistical confidence thresholds required to predict the impact of this variant on ALAS2 protein function. This variant disrupts the p.Arg452 amino acid residue in ALAS2. Other variant(s) that disrupt this residue have been determined to be pathogenic (PMID: 7592563, 9020366, 16540354, 21309041, 24829177, 32297424). This suggests that this residue is clinically significant, and that variants that disrupt this residue are likely to be disease-causing. In summary, the available evidence is currently insufficient to determine the role of this variant in disease. Therefore, it has been classified as a Variant of Uncertain Significance.

Revvity Omics, Revvity
Classification: Likely pathogenic. Last evaluated: 2023-05-31. Review status: criteria provided, single submitter. Criteria: ACMG Guidelines, 2015. Collection method: clinical testing. Allele origin: germline.

Literature cited by the submitters: PubMed 31338833 (cited by Labcorp Genetics (formerly Invitae), Labcorp); PubMed 7592563 (cited by Labcorp Genetics (formerly Invitae), Labcorp); PubMed 9020366 (cited by Labcorp Genetics (formerly Invitae), Labcorp); PubMed 16540354 (cited by Labcorp Genetics (formerly Invitae), Labcorp); PubMed 21309041 (cited by Labcorp Genetics (formerly Invitae), Labcorp); PubMed 24829177 (cited by Labcorp Genetics (formerly Invitae), Labcorp); PubMed 32297424 (cited by Labcorp Genetics (formerly Invitae), Labcorp).

NM_000032.5(ALAS2):c.1355G>T (p.Arg452Leu)

Gene: ALAS2 (5'-aminolevulinate synthase 2; minus strand). Cytogenetic location: Xp11.21.
Variant type: single nucleotide variant.
Coding change: c.1355G>T on transcript NM_000032.5 (MANE Select); coding-DNA position 1355, G replaced by T.
Protein change: p.Arg452Leu; replaces arginine 452 with leucine.
Molecular consequence: missense variant.
Genome position (GRCh38, 1-based): chrX:55,014,829, C>A on the plus strand (G>T on the coding strand, the complement: ALAS2 is on the minus strand). VCF-style: chrX-55014829-C-A. GRCh37 (hg19) VCF-style: chrX-55041262-C-A.
Other names: c.1244G>T, p.Arg415Leu (NM_001037967.4); c.1316G>T, p.Arg439Leu (NM_001037968.4); short protein forms R415L, R439L, R452L.
Identifiers: ClinVar variation 2690508 (VCV002690508.6), dbSNP rs863223904, ClinGen allele CA413292652.
Genomic context (GRCh38, chrX:55,014,829, plus strand): 5'-GGGCAGGGGATGACAGGAAGGCCCCTGTCCATGAGTAGCTGGCGCATGTGCTTGACATTG[C>A]GCTGGTGGGCTCGCCTCAGGGCTTGGCCCTCCTCTCCCTTGAGCAGCCGCACAGATTCTA-3'
Protein context (NP_000023.2, residues 442-462): EGQALRRAHQ[Arg452Leu]NVKHMRQLLM